The following is an entry in ClinVar:

ClinVar aggregate classification (germline): Likely pathogenic. Review status: criteria provided, multiple submitters, no conflicts (2 of 4 stars). 2 submissions from 2 submitters: Likely pathogenic (2). Last evaluated 2024-08-08.

Conditions:
Cardiovascular phenotype. Identifiers: MedGen CN230736.
Autosomal recessive limb-girdle muscular dystrophy type 2J (LGMDR10). Also called: Limb-girdle muscular dystrophy, type 2J; MUSCULAR DYSTROPHY, LIMB-GIRDLE, AUTOSOMAL RECESSIVE 10. Identifiers: Orphanet 140922, MedGen C1837342, MONDO:0012127, OMIM 608807.
Dilated cardiomyopathy 1G (CMD1G). Identifiers: Orphanet 154, MedGen C1858763, MONDO:0011400, OMIM 604145.

Submissions (2):

Labcorp Genetics (formerly Invitae), Labcorp
Classification: Likely pathogenic for Dilated cardiomyopathy 1G; Autosomal recessive limb-girdle muscular dystrophy type 2J. Last evaluated: 2024-08-08. Review status: criteria provided, single submitter. Criteria: Invitae Variant Classification Sherloc (09022015). Collection method: clinical testing. Allele origin: germline.
Comment: This sequence change creates a premature translational stop signal (p.Gln20767*) in the TTN gene. While this is not anticipated to result in nonsense mediated decay, it is expected to create a truncated TTN protein. This variant is not present in population databases (gnomAD no frequency). This premature translational stop signal has been observed in individual(s) with dilated cardiomyopathy (Invitae). This variant is located in the A band of TTN (PMID: 25589632). Truncating variants in this region are significantly overrepresented in patients affected with dilated cardiomyopathy (PMID: 25589632). Truncating variants in this region have also been reported in individuals affected with autosomal recessive centronuclear myopathy (PMID: 23975875). In summary, the currently available evidence indicates that the variant is pathogenic, but additional data are needed to prove that conclusively. Therefore, this variant has been classified as Likely Pathogenic.

Ambry Genetics
Classification: Likely pathogenic for Cardiovascular phenotype. Last evaluated: 2023-10-11. Review status: criteria provided, single submitter. Criteria: Ambry Variant Classification Scheme 2023. Collection method: clinical testing. Allele origin: germline.
Comment: The p.Q11702* variant (also known as c.35104C>T), located in coding exon 131 of the TTN gene, results from a C to T substitution at nucleotide position 35104. This changes the amino acid from a glutamine to a stop codon within coding exon 131. This exon is located in the A-band region of the N2-B isoform of the titin protein and is constitutively expressed in TTN transcripts (percent spliced in or PSI 100%). This variant is considered to be rare based on population cohorts in the Genome Aggregation Database (gnomAD). This alteration is expected to result in loss of function by premature protein truncation or nonsense-mediated mRNA decay. While truncating variants in TTN are present in 1-3% of the general population, truncating variants in the A-band are the most common cause of dilated cardiomyopathy (DCM) (Herman DS et al. N. Engl. J. Med., 2012 Feb;366:619-28; Roberts AM et al. Sci Transl Med, 2015 Jan;7:270ra6). TTN truncating variants encoded in constitutive exons (PSI >90%) have been found to be significantly associated with DCM regardless of their position in titin (Schafer S et al. Nat. Genet., 2017 01;49:46-53). Based on the majority of available evidence to date, this variant is likely to be pathogenic.

Literature cited by the submitters: PubMed 25589632 (cited by Labcorp Genetics (formerly Invitae), Labcorp); PubMed 23975875 (cited by Labcorp Genetics (formerly Invitae), Labcorp).

NM_001267550.2(TTN):c.62299C>T (p.Gln20767Ter)

Genes: TTN (titin; minus strand), TTN-AS1 (TTN antisense RNA 1; plus strand). Cytogenetic location: 2q31.2.
Variant type: single nucleotide variant.
Coding change: c.62299C>T on transcript NM_001267550.2 (MANE Select); coding-DNA position 62299, C replaced by T.
Protein change: p.Gln20767Ter; replaces glutamine 20767 with a stop codon.
Molecular consequence: nonsense.
Genome position (GRCh38, 1-based): chr2:178,589,426, G>A on the plus strand (C>T on the coding strand, the complement: TTN is on the minus strand). VCF-style: chr2-178589426-G-A. GRCh37 (hg19) VCF-style: chr2-179454153-G-A.
Other names: c.57376C>T, p.Gln19126Ter (NM_001256850.1); c.35104C>T, p.Gln11702Ter (NM_003319.4); c.54595C>T, p.Gln18199Ter (NM_133378.4); c.35479C>T, p.Gln11827Ter (NM_133432.3); c.35680C>T, p.Gln11894Ter (NM_133437.4); short protein forms Q11702*, Q11827*, Q11894*, Q18199*, Q19126*, Q20767*.
Identifiers: ClinVar variation 3223244 (VCV003223244.3), dbSNP rs1553640642, ClinGen allele CA349465250.